The following is an entry in ClinVar:

NM_015425.6(POLR1A):c.4563G>C (p.Glu1521Asp)

Gene: POLR1A (RNA polymerase I subunit A; minus strand). Cytogenetic location: 2p11.2.
Variant type: single nucleotide variant.
Coding change: c.4563G>C on transcript NM_015425.6 (MANE Select); coding-DNA position 4563, G replaced by C.
Protein change: p.Glu1521Asp; replaces glutamic acid 1521 with aspartic acid.
Molecular consequence: missense variant.
Genome position (GRCh38, 1-based): chr2:86,031,345, C>G on the plus strand (G>C on the coding strand, the complement: POLR1A is on the minus strand). VCF-style: chr2-86031345-C-G. GRCh37 (hg19) VCF-style: chr2-86258468-C-G.
Other names: c.4563G>C (NM_015425.3); short protein forms E1521D.
Identifiers: ClinVar variation 2887161 (VCV002887161.4), dbSNP rs1274002761, ClinGen allele CA347545872.
Genomic context (GRCh38, chr2:86,031,345, plus strand): 5'-AGCTGGACCAACCACCCAAGCCCTGGCCTGCACGGCCACACTGACCTGGCACCACAGGCT[C>G]TCCTCGGTGTCGTACTGGTAGTCATCTATGAACGGGTGGATCTCACGCACAGCCTGGACC-3'
Protein context (NP_056240.2, residues 1511-1531): FIDDYQYDTE[Glu1521Asp]SLWCQVTVKL

ClinVar aggregate classification (germline): Uncertain significance. Review status: criteria provided, multiple submitters, no conflicts (2 of 4 stars). 2 submissions from 2 submitters: Uncertain significance (2). Last evaluated 2023-10-17.

Conditions:
Inborn genetic diseases. Identifiers: MedGen C0950123, MeSH D030342.

Allele frequency attached by ClinVar (database versions not stated): gnomAD exomes 0.00001.
gnomAD v4.1: 16 of 1,556,530 alleles (0.001%); highest among the groups gnomAD compares: Middle Eastern, 0.017%; no homozygotes.

Submissions (2):

Labcorp Genetics (formerly Invitae), Labcorp
Classification: Uncertain significance. Last evaluated: 2023-10-17. Review status: criteria provided, single submitter. Criteria: Invitae Variant Classification Sherloc (09022015). Collection method: clinical testing. Allele origin: germline.
Comment: This sequence change replaces glutamic acid, which is acidic and polar, with aspartic acid, which is acidic and polar, at codon 1521 of the POLR1A protein (p.Glu1521Asp). This variant is not present in population databases (gnomAD no frequency). This variant has not been reported in the literature in individuals affected with POLR1A-related conditions. Advanced modeling of protein sequence and biophysical properties (such as structural, functional, and spatial information, amino acid conservation, physicochemical variation, residue mobility, and thermodynamic stability) performed at Invitae indicates that this missense variant is not expected to disrupt POLR1A protein function. In summary, the available evidence is currently insufficient to determine the role of this variant in disease. Therefore, it has been classified as a Variant of Uncertain Significance.

Ambry Genetics
Classification: Uncertain significance for Inborn genetic diseases. Last evaluated: 2023-10-03. Review status: criteria provided, single submitter. Criteria: Ambry Variant Classification Scheme 2023. Collection method: clinical testing. Allele origin: germline.